The following is an entry in ClinVar:

NM_022124.6(CDH23):c.2425G>T (p.Glu809Ter)

Gene: CDH23 (cadherin related 23; plus strand). Cytogenetic location: 10q22.1.
Variant type: single nucleotide variant.
Coding change: c.2425G>T on transcript NM_022124.6 (MANE Select); coding-DNA position 2425, G replaced by T.
Protein change: p.Glu809Ter; replaces glutamic acid 809 with a stop codon.
Molecular consequence: nonsense.
Genome position (GRCh38, 1-based): chr10:71,702,049, G>T. VCF-style: chr10-71702049-G-T. GRCh37 (hg19) VCF-style: chr10-73461806-G-T.
Other names: c.2425G>T, p.Glu809Ter (NM_001171930.2, NM_001171931.2); short protein forms E809*.
Identifiers: ClinVar variation 620123 (VCV000620123.9), dbSNP rs1039517349, ClinGen allele CA209451917.

ClinVar aggregate classification (germline): Pathogenic/Likely pathogenic. Review status: criteria provided, multiple submitters, no conflicts (2 of 4 stars). 4 submissions from 4 submitters: Pathogenic (3); Likely pathogenic (1). Last evaluated 2025-04-03.

Conditions:
CDH23-related disorder. Also called: CDH23-related disorders; CDH23-related condition.
Usher syndrome type 1 (USH1). Also called: RETINITIS PIGMENTOSA AND CONGENITAL DEAFNESS. Identifiers: Orphanet 231169, Orphanet 886, MedGen C1568247, MONDO:0010168, OMIM 276900.

Allele frequency attached by ClinVar (database versions not stated): TOPMed below 0.00001.

Submissions (4):

Labcorp Genetics (formerly Invitae), Labcorp
Classification: Pathogenic. Last evaluated: 2025-04-03. Review status: criteria provided, single submitter. Criteria: Invitae Variant Classification Sherloc (09022015). Collection method: clinical testing. Allele origin: germline.
Comment: This sequence change creates a premature translational stop signal (p.Glu809*) in the CDH23 gene. It is expected to result in an absent or disrupted protein product. Loss-of-function variants in CDH23 are known to be pathogenic (PMID: 11138009, 21940737). This variant is not present in population databases (gnomAD no frequency). This premature translational stop signal has been observed in individual(s) with Usher syndrome (PMID: 25468891). ClinVar contains an entry for this variant (Variation ID: 620123). Algorithms developed to predict the effect of sequence changes on RNA splicing suggest that this variant may disrupt the consensus splice site. For these reasons, this variant has been classified as Pathogenic.

GeneDx
Classification: Pathogenic. Last evaluated: 2024-10-04. Review status: criteria provided, single submitter. Criteria: GeneDx Variant Classification Process June 2021. Collection method: clinical testing. Allele origin: germline. Affected: yes.
Comment: Nonsense variant predicted to result in protein truncation or nonsense mediated decay in a gene for which loss of function is a known mechanism of disease; Not observed at significant frequency in large population cohorts (gnomAD); This variant is associated with the following publications: (PMID: 25468891)

Natera, Inc.
Classification: Pathogenic for Usher syndrome type 1. Last evaluated: 2024-02-20. Review status: criteria provided, single submitter. Criteria: Natera Variant Classification Schema (03/2026). Collection method: clinical testing. Allele origin: germline.
Comment: The c.2425G>T variant in CDH23 is a nonsense variant predicted to introduce a stop codon at amino acid 809. This variant is expected to result in nonsense mediated decay, truncation, or a dysfunctional protein product. This variant is rare in the general population with a frequency below the threshold expected for the associated phenotype(s). This variant has been observed in one or more individuals affected with the associated recessive disease, as either homozygous or compound heterozygous with a second variant (PMID: 25468891). Given the available evidence, this variant is classified as Pathogenic.

Blueprint Genetics
Classification: Likely pathogenic for CDH23-related disorders. Last evaluated: 2021-09-10. Review status: criteria provided, single submitter. Criteria: ACMG Guidelines, 2015. Collection method: clinical testing. Allele origin: germline. Affected: yes. Observed: 1 variant allele.

Literature cited by the submitters: PubMed 11138009 (cited by Labcorp Genetics (formerly Invitae), Labcorp); PubMed 21940737 (cited by Labcorp Genetics (formerly Invitae), Labcorp); PubMed 25468891 (cited by Labcorp Genetics (formerly Invitae), Labcorp and Natera, Inc.).